The following is an entry in ClinVar:

ClinVar aggregate classification (germline): Uncertain significance (1 of 4 stars; one submission).

Conditions:
Hereditary cancer-predisposing syndrome. Also called: Hereditary neoplastic syndrome; Tumor predisposition; Hereditary Cancer Syndrome; Neoplastic Syndromes, Hereditary. Identifiers: Orphanet 140162, MedGen C0027672, MeSH D009386, MONDO:0015356.

Submission:

Ambry Genetics
Classification: Uncertain significance for Hereditary cancer-predisposing syndrome. Last evaluated: 2023-07-26. Review status: criteria provided, single submitter. Criteria: Ambry Variant Classification Scheme 2023. Collection method: clinical testing. Allele origin: germline.
Comment: The p.C50W variant (also known as c.150C>G), located in coding exon 1 of the BARD1 gene, results from a C to G substitution at nucleotide position 150. The cysteine at codon 50 is replaced by tryptophan, an amino acid with highly dissimilar properties. This amino acid position is conserved. In addition, this alteration is predicted to be deleterious by in silico analysis. Since supporting evidence is limited at this time, the clinical significance of this alteration remains unclear.

NM_000465.4(BARD1):c.150C>G (p.Cys50Trp)

Gene: BARD1 (BRCA1 associated RING domain 1; minus strand). Cytogenetic location: 2q35.
Variant type: single nucleotide variant.
Coding change: c.150C>G on transcript NM_000465.4 (MANE Select); coding-DNA position 150, C replaced by G.
Protein change: p.Cys50Trp; replaces cysteine 50 with tryptophan.
Molecular consequence: missense variant. On other transcripts: non-coding transcript variant (3).
Genome position (GRCh38, 1-based): chr2:214,809,420, G>C on the plus strand (C>G on the coding strand, the complement: BARD1 is on the minus strand). VCF-style: chr2-214809420-G-C. GRCh37 (hg19) VCF-style: chr2-215674144-G-C.
Other names: c.150C>G, p.Cys50Trp (NM_001282543.2, NM_001282545.2, NM_001282548.2 and 1 more transcripts); short protein forms C50W.
Identifiers: ClinVar variation 2585706 (VCV002585706.2), dbSNP rs2106170807, ClinGen allele CA350464758.